The following is an entry in ClinVar:

NM_002439.5(MSH3):c.3104G>A (p.Ser1035Asn)

Gene: MSH3 (mutS homolog 3; plus strand). Cytogenetic location: 5q14.1.
Variant type: single nucleotide variant.
Coding change: c.3104G>A on transcript NM_002439.5 (MANE Select); coding-DNA position 3104, G replaced by A.
Protein change: p.Ser1035Asn; replaces serine 1035 with asparagine.
Molecular consequence: missense variant.
Genome position (GRCh38, 1-based): chr5:80,864,916, G>A. VCF-style: chr5-80864916-G-A. GRCh37 (hg19) VCF-style: chr5-80160735-G-A.
Other names: short protein forms S1035N.
Identifiers: ClinVar variation 1721502 (VCV001721502.5), dbSNP rs763246818, ClinGen allele CA360346410.

ClinVar aggregate classification (germline): Uncertain significance (1 of 4 stars; one submission).

gnomAD v4.1: 3 of 1,613,990 alleles (0.00019%); highest among the groups gnomAD compares: Non-Finnish European, 0.00025%; no homozygotes.

Submission:

Labcorp Genetics (formerly Invitae), Labcorp
Classification: Uncertain significance. Last evaluated: 2022-10-13. Review status: criteria provided, single submitter. Criteria: Invitae Variant Classification Sherloc (09022015). Collection method: clinical testing. Allele origin: germline.
Comment: In summary, the available evidence is currently insufficient to determine the role of this variant in disease. Therefore, it has been classified as a Variant of Uncertain Significance. Algorithms developed to predict the effect of missense changes on protein structure and function output the following: SIFT: "Tolerated"; PolyPhen-2: "Benign"; Align-GVGD: "Class C0". The asparagine amino acid residue is found in multiple mammalian species, which suggests that this missense change does not adversely affect protein function. This variant has not been reported in the literature in individuals affected with MSH3-related conditions. This variant is present in population databases (no rsID available, gnomAD 0.0009%). This sequence change replaces serine, which is neutral and polar, with asparagine, which is neutral and polar, at codon 1035 of the MSH3 protein (p.Ser1035Asn).